The following is an entry in ClinVar:

NM_016169.4(SUFU):c.479del (p.His160fs)

Gene: SUFU (SUFU negative regulator of hedgehog signaling; plus strand). Cytogenetic location: 10q24.32.
Variant type: Deletion.
Coding change: c.479del on transcript NM_016169.4 (MANE Select); coding-DNA position 479, one base deleted (A; older notation c.479delA).
Protein change: p.His160fs; shifts the reading frame from histidine 160.
Molecular consequence: frameshift variant.
Genome position (GRCh38, 1-based): chr10:102,592,606, A deleted. VCF-style (leftmost placement, unchanged base first): chr10-102592605-CA-C. GRCh37 (hg19) VCF-style: chr10-104352362-CA-C.
Other names: c.479del, p.His160fs (NM_001178133.2); short protein forms H160fs.
Identifiers: ClinVar variation 1325695 (VCV001325695.3), dbSNP rs2135866639, ClinGen allele CA2573053228.
Genomic context (GRCh38, chr10:102,592,605, plus strand): 5'-GCCTTGAACAATGAGGATCCTTGTATCTCTCCCACAGAGAACACCTTCTGCAGTGGGGAC[CA>C]TGTGTCCTGGCACAGCCCTTTGGATAACAGTGAGTCAAGAATTCAGCACATGCTGCTGAC-3'

ClinVar aggregate classification (germline): Pathogenic (1 of 4 stars; one submission).

Conditions:
Oculomotor apraxia. Identifiers: MedGen C3489733, HP:0000657.

Submission:

Institute of Human Genetics, University of Goettingen
Classification: Pathogenic for Oculomotor apraxia. Last evaluated: 2021-11-23. Review status: criteria provided, single submitter. Criteria: ACMG Guidelines, 2015. Collection method: research. Allele origin: de novo. Inheritance: Autosomal dominant inheritance. Affected: yes. Observed: 1 heterozygote.
Comment: The variant c.479del (p.(His160Leufs*20)) in exon 4 of the SUFU-gene is not found in the gnomAD database, it creates a frame shift starting at codon His160. The new reading frame ends in a STOP codon at position 20. Frameshift variants leading to a loss of function of SUFU protein are a known mechanism of disease. The variant was found to be de novo in an individual with ocular motor apraxia (PMID: 33024317). In vitro functional analsys revealed a deleterious effect on protein function. ACMG criteria used for classification: PVS1, PS3, PM2, PP3.

Literature cited by the submitters: PubMed 33024317.